The following is an entry in ClinVar:

NM_001035.3(RYR2):c.5600A>C (p.Glu1867Ala)

Gene: RYR2 (ryanodine receptor 2; plus strand). Cytogenetic location: 1q43.
Variant type: single nucleotide variant.
Coding change: c.5600A>C on transcript NM_001035.3 (MANE Select); coding-DNA position 5600, A replaced by C.
Protein change: p.Glu1867Ala; replaces glutamic acid 1867 with alanine.
Molecular consequence: missense variant.
Genome position (GRCh38, 1-based): chr1:237,614,728, A>C. VCF-style: chr1-237614728-A-C. GRCh37 (hg19) VCF-style: chr1-237778028-A-C.
Other names: c.5600A>C (NM_001035.2); short protein forms E1867A.
Identifiers: ClinVar variation 919024 (VCV000919024.12), dbSNP rs539021736, ClinGen allele CA086917.
Genomic context (GRCh38, chr1:237,614,728, plus strand): 5'-AGCCCAGTGTGTTTAAAGAAGCTGCCACTCCGGAGGAGGAGAGTGACACGCTGGAGAAAG[A>C]GCTCAGTGTGGACGATGCAAAGCTGCAAGGAGCTGGTGAGGAAGAAGCCAAGGGGGGCAA-3'
Protein context (NP_001026.2, residues 1857-1877): PEEESDTLEK[Glu1867Ala]LSVDDAKLQG

ClinVar aggregate classification (germline): Uncertain significance. Review status: criteria provided, multiple submitters, no conflicts (2 of 4 stars). 6 submissions from 6 submitters: Uncertain significance (6). Last evaluated 2025-10-15.

Conditions:
Cardiovascular phenotype. Identifiers: MedGen CN230736.
Catecholaminergic polymorphic ventricular tachycardia (CVPT). Also called: Catecholamine-induced polymorphic ventricular tachycardia. Identifiers: Orphanet 3286, MedGen C5574922, MONDO:0017990.
Catecholaminergic polymorphic ventricular tachycardia 1. Also called: RYR2-Related Catecholaminergic Polymorphic Ventricular Tachycardia; VENTRICULAR TACHYCARDIA, STRESS-INDUCED POLYMORPHIC 1; VENTRICULAR TACHYCARDIA, CATECHOLAMINERGIC POLYMORPHIC, 1, WITH OR WITHOUT ATRIAL DYSFUNCTION AND/OR DILATED CARDIOMYOPATHY. Identifiers: Orphanet 3286, MedGen C1631597, MONDO:0011484, OMIM 604772.
Arrhythmogenic right ventricular dysplasia 2. Identifiers: MedGen C1832931.
Ventricular arrhythmias due to cardiac ryanodine receptor calcium release deficiency syndrome. Also called: Autosomal dominant cardiac arrhythmia (Kuhn). Identifiers: MedGen C5542154, MONDO:0020745, OMIM 115000.
RYR2-related disorder. Also called: RYR2-related condition.
Cardiomyopathy (CMYO). Also called: Cardiomyopathies. Identifiers: Orphanet 167848, MedGen C0878544, MONDO:0004994, HP:0001638. Inheritance: Various modes of inheritance.

Allele frequency attached by ClinVar (database versions not stated): gnomAD 0.00009; TOPMed 0.00012.
gnomAD v4.1: 20 of 1,613,904 alleles (0.0012%); highest among the groups gnomAD compares: Admixed American, 0.005%; no homozygotes.

Submissions (6):

Labcorp Genetics (formerly Invitae), Labcorp
Classification: Uncertain significance for Catecholaminergic polymorphic ventricular tachycardia 1. Last evaluated: 2025-10-15. Review status: criteria provided, single submitter. Criteria: Invitae Variant Classification Sherloc (09022015). Collection method: clinical testing. Allele origin: germline.
Comment: This sequence change replaces glutamic acid, which is acidic and polar, with alanine, which is neutral and non-polar, at codon 1867 of the RYR2 protein (p.Glu1867Ala). This variant is present in population databases (rs539021736, gnomAD 0.003%). This variant has not been reported in the literature in individuals affected with RYR2-related conditions. ClinVar contains an entry for this variant (Variation ID: 919024). Invitae Evidence Modeling of protein sequence and biophysical properties (such as structural, functional, and spatial information, amino acid conservation, physicochemical variation, residue mobility, and thermodynamic stability) indicates that this missense variant is not expected to disrupt RYR2 protein function with a negative predictive value of 95%. In summary, the available evidence is currently insufficient to determine the role of this variant in disease. Therefore, it has been classified as a Variant of Uncertain Significance.

PreventionGenetics, part of Exact Sciences
Classification: Uncertain significance for RYR2-related condition. Last evaluated: 2025-01-09. Review status: criteria provided, single submitter. Criteria: ACMG Guidelines, 2015. Collection method: clinical testing. Allele origin: germline.
Comment: The RYR2 c.5600A>C variant is predicted to result in the amino acid substitution p.Glu1867Ala. To our knowledge, this variant has not been reported in the literature. This variant is reported in 0.0029% of alleles in individuals of Latino descent in gnomAD. At this time, the clinical significance of this variant is uncertain due to the absence of conclusive functional and genetic evidence.

All of Us Research Program, National Institutes of Health
Classification: Uncertain significance for Catecholaminergic polymorphic ventricular tachycardia. Last evaluated: 2024-04-16. Review status: criteria provided, single submitter. Criteria: ACMG Guidelines, 2015. Collection method: clinical testing. Allele origin: germline. Inheritance: Autosomal dominant inheritance. Observed: 6 variant alleles, 6 heterozygotes.
Comment: This missense variant replaces glutamic acid with alanine at codon 1867 of the RYR2 protein. Computational prediction suggests that this variant may not impact protein structure and function (internally defined REVEL score threshold <= 0.5, PMID: 27666373). To our knowledge, functional studies have not been reported for this variant. This variant has not been reported in individuals affected with RYR2-related disorders in the literature. This variant has been identified in 4/248312 chromosomes in the general population by the Genome Aggregation Database (gnomAD). The available evidence is insufficient to determine the role of this variant in disease conclusively. Therefore, this variant is classified as a Variant of Uncertain Significance.

This study involves interpretation of variants in research participants for the purpose of population health screening. Participant phenotype was not available at the time of variant classification. Additional details can be found in publication PMID: 35346344, PMCID: PMC8962531

Color Diagnostics, LLC DBA Color Health
Classification: Uncertain significance for Cardiomyopathy. Last evaluated: 2024-03-06. Review status: criteria provided, single submitter. Criteria: ACMG Guidelines, 2015. Collection method: clinical testing. Allele origin: germline.
Comment: This missense variant replaces glutamic acid with alanine at codon 1867 of the RYR2 protein. Computational prediction suggests that this variant may not impact protein structure and function (internally defined REVEL score threshold <= 0.5, PMID: 27666373). To our knowledge, functional studies have not been reported for this variant. This variant has not been reported in individuals affected with RYR2-related disorders in the literature. This variant has been identified in 4/248312 chromosomes in the general population by the Genome Aggregation Database (gnomAD). The available evidence is insufficient to determine the role of this variant in disease conclusively. Therefore, this variant is classified as a Variant of Uncertain Significance.

Ambry Genetics
Classification: Uncertain significance for Cardiovascular phenotype. Last evaluated: 2023-10-03. Review status: criteria provided, single submitter. Criteria: Ambry Variant Classification Scheme 2023. Collection method: clinical testing. Allele origin: germline.
Comment: The p.E1867A variant (also known as c.5600A>C), located in coding exon 37 of the RYR2 gene, results from an A to C substitution at nucleotide position 5600. The glutamic acid at codon 1867 is replaced by alanine, an amino acid with dissimilar properties. This amino acid position is well conserved in available vertebrate species. In addition, this alteration is predicted to be tolerated by in silico analysis. Since supporting evidence is limited at this time, the clinical significance of this alteration remains unclear.

Fulgent Genetics
Classification: Uncertain significance for Ventricular arrhythmias due to cardiac ryanodine receptor calcium release deficiency syndrome; Catecholaminergic polymorphic ventricular tachycardia 1. Last evaluated: 2021-09-30. Review status: criteria provided, single submitter. Criteria: ACMG Guidelines, 2015. Collection method: clinical testing. Allele origin: unknown.